The following is an entry in ClinVar:

NM_001042492.3(NF1):c.2834_2835del (p.Phe944_Phe945insTer)

Gene: NF1 (neurofibromin 1; plus strand). Cytogenetic location: 17q11.2.
Variant type: Deletion.
Coding change: c.2834_2835del on transcript NM_001042492.3 (MANE Select); coding-DNA positions 2834 to 2835, 2 bases deleted (TT; older notation c.2834_2835delTT).
Protein change: p.Phe944_Phe945insTer.
Molecular consequence: nonsense. On other transcripts: frameshift variant (1).
Genome position (GRCh38, 1-based): chr17:31,229,449-31,229,450, TT deleted; deleting any 2 consecutive bases within chr17:31,229,445-31,229,450 gives the same sequence; the c. name uses the placement nearest the transcript's 3' end. VCF-style (leftmost placement, unchanged base first): chr17-31229444-GTT-G. GRCh37 (hg19) VCF-style: chr17-29556462-GTT-G.
Other names: c.2834_2835delTT, p.Phe945Terfs (NM_000267.4).
Identifiers: ClinVar variation 1399800 (VCV001399800.6), dbSNP rs1567849208, ClinGen allele CA2573153319.
Genomic context (GRCh38, chr17:31,229,444, plus strand): 5'-AGAATTGAGTCCTGCTCTGTATCCAATGCTATTTAACAAATTGAAGAATACCATCAGCAA[GTT>G]TTTTGACTCCCAAGGACAGGTAAAGTGTTCTCTTATTTTTCACCTTTCTCTATGAATAGA-3'

ClinVar aggregate classification (germline): Pathogenic (1 of 4 stars; one submission).

Conditions:
Neurofibromatosis, type 1 (NF1). Also called: NEUROFIBROMATOSIS, TYPE I, SOMATIC; Peripheral type neurofibromatosis; Neurofibromatosis, type I; VON RECKLINGHAUSEN DISEASE. Identifiers: Orphanet 636, MedGen C0027831, MONDO:0018975, OMIM 162200. Disease mechanism: loss of function.

Submission:

Labcorp Genetics (formerly Invitae), Labcorp
Classification: Pathogenic for Neurofibromatosis, type 1. Last evaluated: 2021-10-10. Review status: criteria provided, single submitter. Criteria: Invitae Variant Classification Sherloc (09022015). Collection method: clinical testing. Allele origin: germline.
Comment: For these reasons, this variant has been classified as Pathogenic. This variant has not been reported in the literature in individuals affected with NF1-related conditions. This variant is not present in population databases (ExAC no frequency). This sequence change creates a premature translational stop signal (p.Phe945*) in the NF1 gene. It is expected to result in an absent or disrupted protein product. Loss-of-function variants in NF1 are known to be pathogenic (PMID: 10712197, 23913538).

Literature cited by the submitters: PubMed 10712197; PubMed 23913538.